The following is an entry in ClinVar:

ClinVar aggregate classification (germline): Pathogenic (3 of 4 stars; one submission).

Conditions:
Breast-ovarian cancer, familial, susceptibility to, 2 (BROVCA2). Also called: BRCA2 Hereditary Breast and Ovarian Cancer. Identifiers: Orphanet 145, MedGen C2675520, MONDO:0012933, OMIM 612555. Disease mechanism: loss of function.

Submission:

Evidence-based Network for the Interpretation of Germline Mutant Alleles (ENIGMA)
Classification: Pathogenic for Breast-ovarian cancer, familial, susceptibility to, 2. Last evaluated: 2017-12-15. Review status: reviewed by expert panel. Criteria: ENIGMA BRCA1/2 Classification Criteria (2017-06-29). Collection method: curation. Allele origin: germline. Study: ENIGMA.
Comment: Variant allele predicted to encode a truncated non-functional protein.

NM_000059.4(BRCA2):c.8761_8762del (p.Phe2921fs)

Gene: BRCA2 (BRCA2 DNA repair associated; plus strand). Cytogenetic location: 13q13.1.
Variant type: Deletion.
Coding change: c.8761_8762del on transcript NM_000059.4 (MANE Select); coding-DNA positions 8761 to 8762, 2 bases deleted (TT; older notation c.8761_8762delTT).
Protein change: p.Phe2921fs; shifts the reading frame from phenylalanine 2921.
Molecular consequence: frameshift variant.
Genome position (GRCh38, 1-based): chr13:32,379,323-32,379,324, TT deleted; deleting any 2 consecutive bases within chr13:32,379,322-32,379,324 gives the same sequence; the c. name uses the placement nearest the transcript's 3' end. VCF-style (leftmost placement, unchanged base first): chr13-32379321-ATT-A. GRCh37 (hg19) VCF-style: chr13-32953458-ATT-A.
Other names: c.8761_8762delTT (NM_000059.3); short protein forms F2921fs.
Identifiers: ClinVar variation 548432 (VCV000548432.3), dbSNP rs1555288366, ClinGen allele CA658823612.